The following is an entry in ClinVar:

NM_001025356.3(ANO6):c.1093G>A (p.Glu365Lys)

Gene: ANO6 (anoctamin 6; plus strand). Cytogenetic location: 12q12.
Variant type: single nucleotide variant.
Coding change: c.1093G>A on transcript NM_001025356.3 (MANE Select); coding-DNA position 1093, G replaced by A.
Protein change: p.Glu365Lys; replaces glutamic acid 365 with lysine.
Molecular consequence: missense variant.
Genome position (GRCh38, 1-based): chr12:45,367,782, G>A. VCF-style: chr12-45367782-G-A. GRCh37 (hg19) VCF-style: chr12-45761565-G-A.
Other names: c.1039G>A, p.Glu347Lys (NM_001142678.2); c.1093G>A, p.Glu365Lys (NM_001142679.2); c.1156G>A, p.Glu386Lys (NM_001204803.2); c.1060G>A, p.Glu354Lys (NM_001410973.1); short protein forms E347K, E365K, E354K, E386K.
Identifiers: ClinVar variation 2223673 (VCV002223673.4), dbSNP rs773310513, ClinGen allele CA6525193.

ClinVar aggregate classification (germline): Uncertain significance. Review status: criteria provided, multiple submitters, no conflicts (2 of 4 stars). 2 submissions from 2 submitters: Uncertain significance (2). Last evaluated 2025-08-04.

Conditions:
Inborn genetic diseases. Identifiers: MedGen C0950123, MeSH D030342.

Allele frequency attached by ClinVar (database versions not stated): gnomAD 0.00001; ExAC 0.00003; gnomAD exomes 0.00003.
gnomAD v4.1: 44 of 1,612,990 alleles (0.0027%); highest among the groups gnomAD compares: East Asian, 0.0089%; no homozygotes.

Submissions (2):

Ambry Genetics
Classification: Uncertain significance for Inborn genetic diseases. Last evaluated: 2025-08-04. Review status: criteria provided, single submitter. Criteria: Ambry Variant Classification Scheme 2023. Collection method: clinical testing. Allele origin: germline.

Labcorp Genetics (formerly Invitae), Labcorp
Classification: Uncertain significance. Last evaluated: 2023-12-29. Review status: criteria provided, single submitter. Criteria: Invitae Variant Classification Sherloc (09022015). Collection method: clinical testing. Allele origin: germline.
Comment: This sequence change replaces glutamic acid, which is acidic and polar, with lysine, which is basic and polar, at codon 365 of the ANO6 protein (p.Glu365Lys). This variant is present in population databases (rs773310513, gnomAD 0.02%). This variant has not been reported in the literature in individuals affected with ANO6-related conditions. ClinVar contains an entry for this variant (Variation ID: 2223673). Advanced modeling of protein sequence and biophysical properties (such as structural, functional, and spatial information, amino acid conservation, physicochemical variation, residue mobility, and thermodynamic stability) performed at Invitae indicates that this missense variant is not expected to disrupt ANO6 protein function with a negative predictive value of 80%. In summary, the available evidence is currently insufficient to determine the role of this variant in disease. Therefore, it has been classified as a Variant of Uncertain Significance.